The following is an entry in ClinVar:

NM_002878.4(RAD51D):c.839C>G (p.Thr280Ser)

Genes: RAD51L3-RFFL (RAD51L3-RFFL readthrough; minus strand), RAD51D (RAD51 paralog D; minus strand). Cytogenetic location: 17q12.
Variant type: single nucleotide variant.
Coding change: c.839C>G on transcript NM_002878.4 (MANE Select); coding-DNA position 839, C replaced by G.
Protein change: p.Thr280Ser; replaces threonine 280 with serine.
Molecular consequence: missense variant. On other transcripts: non-coding transcript variant (3).
Genome position (GRCh38, 1-based): chr17:35,101,265, G>C on the plus strand (C>G on the coding strand, the complement: RAD51D is on the minus strand). VCF-style: chr17-35101265-G-C. GRCh37 (hg19) VCF-style: chr17-33428284-G-C.
Other names: c.899C>G, p.Thr300Ser (NM_001142571.2); c.503C>G, p.Thr168Ser (NM_133629.3); short protein forms T280S, T300S, T168S.
Identifiers: ClinVar variation 230436 (VCV000230436.18), dbSNP rs548111162, ClinGen allele CA8499335.

ClinVar aggregate classification (germline): Conflicting classifications of pathogenicity. Review status: criteria provided, conflicting classifications (1 of 4 stars). 5 submissions from 5 submitters: Uncertain significance (4); Likely benign (1). Last evaluated 2025-12-25.

Conditions:
Hereditary cancer-predisposing syndrome. Also called: Neoplastic Syndromes, Hereditary; Tumor predisposition; Hereditary Cancer Syndrome; Hereditary neoplastic syndrome. Identifiers: Orphanet 140162, MedGen C0027672, MeSH D009386, MONDO:0015356.
Breast-ovarian cancer, familial, susceptibility to, 4. Identifiers: Orphanet 145, MedGen C3280345, MONDO:0013669, OMIM 614291.

Allele frequency attached by ClinVar (database versions not stated): gnomAD exomes below 0.00001 and 0.00001; ExAC 0.00002; gnomAD 0.00004; TOPMed 0.00004; 1000 Genomes Project 30x 0.00016; 1000 Genomes Project 0.00020.
gnomAD v4.1: 10 of 1,614,164 alleles (0.00062%); highest among the groups gnomAD compares: African/African-American, 0.012%; no homozygotes.

Submissions (5):

Labcorp Genetics (formerly Invitae), Labcorp
Classification: Uncertain significance for Breast-ovarian cancer, familial, susceptibility to, 4. Last evaluated: 2025-12-25. Review status: criteria provided, single submitter. Criteria: Invitae Variant Classification Sherloc (09022015). Collection method: clinical testing. Allele origin: germline.
Comment: This sequence change replaces threonine, which is neutral and polar, with serine, which is neutral and polar, at codon 280 of the RAD51D protein (p.Thr280Ser). This variant is present in population databases (rs548111162, gnomAD 0.01%). This variant has not been reported in the literature in individuals affected with RAD51D-related conditions. ClinVar contains an entry for this variant (Variation ID: 230436). Invitae Evidence Modeling of protein sequence and biophysical properties (such as structural, functional, and spatial information, amino acid conservation, physicochemical variation, residue mobility, and thermodynamic stability) indicates that this missense variant is not expected to disrupt RAD51D protein function with a negative predictive value of 80%. In summary, the available evidence is currently insufficient to determine the role of this variant in disease. Therefore, it has been classified as a Variant of Uncertain Significance.

Ambry Genetics
Classification: Likely benign for Hereditary cancer-predisposing syndrome. Last evaluated: 2024-02-26. Review status: criteria provided, single submitter. Criteria: Ambry Variant Classification Scheme 2023. Collection method: clinical testing. Allele origin: germline.

GeneDx
Classification: Uncertain significance. Last evaluated: 2023-01-11. Review status: criteria provided, single submitter. Criteria: GeneDx Variant Classification Process June 2021. Collection method: clinical testing. Allele origin: germline. Affected: yes.
Comment: Not observed at significant frequency in large population cohorts (gnomAD); In silico analysis supports that this missense variant does not alter protein structure/function; Has not been previously published as pathogenic or benign to our knowledge; This variant is associated with the following publications: (PMID: 21111057, 14704354, 19327148)

Revvity Omics, Revvity
Classification: Uncertain significance. Last evaluated: 2022-09-21. Review status: criteria provided, single submitter. Criteria: ACMG Guidelines, 2015. Collection method: clinical testing. Allele origin: germline.

Mendelics
Classification: Uncertain significance for Breast-ovarian cancer, familial, susceptibility to, 4. Last evaluated: 2019-05-28. Review status: criteria provided, single submitter. Criteria: Mendelics Assertion Criteria 2017. Collection method: clinical testing. Allele origin: unknown.